The following is an entry in ClinVar:

NM_000352.6(ABCC8):c.-10C>G

Gene: ABCC8 (ATP binding cassette subfamily C member 8; minus strand). Cytogenetic location: 11p15.1.
Variant type: single nucleotide variant.
Coding change: c.-10C>G on transcript NM_000352.6 (MANE Select); 10 bases upstream of the start codon, C replaced by G.
Molecular consequence: 5 prime UTR variant. On other transcripts: non-coding transcript variant (1).
Genome position (GRCh38, 1-based): chr11:17,476,786, G>C on the plus strand (C>G on the coding strand, the complement: ABCC8 is on the minus strand). VCF-style: chr11-17476786-G-C. GRCh37 (hg19) VCF-style: chr11-17498333-G-C.
Other names: c.-10C>G (NM_001287174.3, NM_001351295.2, NM_001351296.2 and 1 more transcripts).
Identifiers: ClinVar variation 3039886 (VCV003039886.2), dbSNP rs1363700435, ClinGen allele CA597904622.
Genomic context (GRCh38, chr11:17,476,786, plus strand): 5'-CACCCGGTAGGCGGCCGAGTGGTTCTCGCTGCCGCAGAAGGCCAGGGGCATGGCGGCGCG[G>C]GCGCGGGCTGGGCTCGGGCTCAGCTGGCTCCGCTGGCTCCGCGCGCCTGCCGCGCCTCTG-3'

ClinVar aggregate classification (germline): Likely benign (0 of 4 stars; one submission).

Conditions:
ABCC8-related disorder.

Allele frequency attached by ClinVar (database versions not stated): gnomAD exomes 0.00002; TOPMed 0.00002; gnomAD 0.00003; 1000 Genomes Project 30x 0.00016.
gnomAD v4.1: 27 of 1,543,702 alleles (0.0017%); highest among the groups gnomAD compares: East Asian, 0.025%; no homozygotes.

Submission:

PreventionGenetics, part of Exact Sciences
Classification: Likely benign for ABCC8-related condition. Last evaluated: 2019-09-19. Review status: no assertion criteria provided. Collection method: clinical testing. Allele origin: germline.
Comment: This variant is classified as likely benign based on ACMG/AMP sequence variant interpretation guidelines (Richards et al. 2015 PMID: 25741868, with internal and published modifications).